The following is an entry in ClinVar:

ClinVar aggregate classification (germline): Conflicting classifications of pathogenicity. Review status: criteria provided, conflicting classifications (1 of 4 stars). 3 submissions from 3 submitters: Pathogenic (1); Uncertain significance (2). Last evaluated 2024-12-28.

Conditions:
Idiopathic generalized epilepsy. Also called: Generalised epilepsy; EIG. Identifiers: MedGen C0270850, MONDO:0005579, OMIM 600669.
Epilepsy, childhood absence 4 (ECA4). Also called: EPILEPSY, CHILDHOOD ABSENCE, SUSCEPTIBILITY TO, 4. Identifiers: Orphanet 307, MedGen C1970160.
Epilepsy, idiopathic generalized, susceptibility to, 13. Also called: EPILEPSY, JUVENILE MYOCLONIC, SUSCEPTIBILITY TO, 5. Identifiers: Orphanet 307, Orphanet 64280, MedGen C4013473, MONDO:0012627, OMIM 611136.
Developmental and epileptic encephalopathy, 19 (DEE19). Also called: Epileptic encephalopathy, early infantile, 19. Identifiers: Orphanet 33069, MedGen C3810400, MONDO:0014328, OMIM 615744.

gnomAD v4.1: 2 of 1,600,748 alleles (0.00012%); highest among the groups gnomAD compares: Non-Finnish European, 0.00017%; no homozygotes.

Submissions (3):

Labcorp Genetics (formerly Invitae), Labcorp
Classification: Pathogenic for Epilepsy, childhood absence 4; Epilepsy, idiopathic generalized, susceptibility to, 13; Idiopathic generalized epilepsy. Last evaluated: 2024-12-28. Review status: criteria provided, single submitter. Criteria: Invitae Variant Classification Sherloc (09022015). Collection method: clinical testing. Allele origin: germline.
Comment: This sequence change creates a premature translational stop signal (p.Gln32*) in the GABRA1 gene. It is expected to result in an absent or disrupted protein product. Loss-of-function variants in GABRA1 are known to be pathogenic (PMID: 16718694). This variant is not present in population databases (gnomAD no frequency). This premature translational stop signal has been observed in individual(s) with GABRA1-related conditions (PMID: 28554332, 29655203). ClinVar contains an entry for this variant (Variation ID: 224145). For these reasons, this variant has been classified as Pathogenic.

GeneDx
Classification: Uncertain significance. Last evaluated: 2021-03-16. Review status: criteria provided, single submitter. Criteria: GeneDx Variant Classification Process June 2021. Collection method: clinical testing. Allele origin: germline. Affected: yes.
Comment: Observed in individuals with intellectual disability, epilepsy, and/or other neurodevelopmental disorders (Bowling et al., 2017; Lindy et al., 2018); Not observed in large population cohorts (Lek et al., 2016); Nonsense variant predicted to result in protein truncation or nonsense mediated decay in a gene for which loss-of-function is not a known mechanism of disease; This variant is associated with the following publications: (PMID: 28554332, 29655203)

HudsonAlpha Institute for Biotechnology
Classification: Uncertain significance for Developmental and epileptic encephalopathy, 19. Last evaluated: 2015-12-10. Review status: criteria provided, single submitter. Criteria: HA_assertions_20161101. Collection method: research. Allele origin: unknown. Affected: yes. Study: CSER-HudsonAlpha.

Literature cited by the submitters: PubMed 16718694 (cited by Labcorp Genetics (formerly Invitae), Labcorp); PubMed 28554332 (cited by Labcorp Genetics (formerly Invitae), Labcorp); PubMed 29655203 (cited by Labcorp Genetics (formerly Invitae), Labcorp).

NM_001127644.2(GABRA1):c.94C>T (p.Gln32Ter)

Gene: GABRA1 (gamma-aminobutyric acid type A receptor subunit alpha1; plus strand). Cytogenetic location: 5q34.
Variant type: single nucleotide variant.
Coding change: c.94C>T on transcript NM_001127644.2 (MANE Select); coding-DNA position 94, C replaced by T.
Protein change: p.Gln32Ter; replaces glutamine 32 with a stop codon.
Molecular consequence: nonsense.
Genome position (GRCh38, 1-based): chr5:161,854,177, C>T. VCF-style: chr5-161854177-C-T. GRCh37 (hg19) VCF-style: chr5-161281183-C-T.
Other names: c.94C>T, p.Gln32Ter (NM_000806.5, NM_001127643.2, NM_001127645.2 and 1 more transcripts); short protein forms Q32*.
Identifiers: ClinVar variation 224145 (VCV000224145.9), dbSNP rs769743354, ClinGen allele CA211941.
Genomic context (GRCh38, chr5:161,854,177, plus strand): 5'-TGTATAATTTAGCTATTGCTTCTCTTTATGTTTTTTTTCAGCTATGGACAGCCGTCATTA[C>T]AAGATGAACTTAAAGACAATACCACTGTCTTCACCAGGATTTTGGACAGACTCCTAGATG-3'